The following is an entry in ClinVar:

ClinVar aggregate classification (germline): Uncertain significance (1 of 4 stars; one submission).

Conditions:
Mitochondrial DNA depletion syndrome, encephalomyopathic form with methylmalonic aciduria (MTDPS5). Also called: SUCLA2-Related Mitochondrial DNA Depletion Syndrome, Encephalomyopathic Form with Methylmalonic Aciduria; Mitochondrial encephalomyopathy aminoacidopathy; MITOCHONDRIAL DNA DEPLETION SYNDROME, ENCEPHALOMYOPATHIC FORM, WITH OR WITHOUT METHYLMALONIC ACIDURIA, AUTOSOMAL RECESSIVE, SUCLA2-RELATED; Mitochondrial DNA depletion syndrome 5 (encephalomyopathic with or without methylmalonic aciduria). Identifiers: Orphanet 1933, MedGen C5980207, MONDO:0012791, OMIM 612073.

Allele frequency attached by ClinVar (database versions not stated): TOPMed below 0.00001; ExAC 0.00001; gnomAD 0.00001; gnomAD exomes 0.00001.
gnomAD v4.1: 5 of 1,613,212 alleles (0.00031%); highest among the groups gnomAD compares: Middle Eastern, 0.017%; no homozygotes.

Submission:

Labcorp Genetics (formerly Invitae), Labcorp
Classification: Uncertain significance for Mitochondrial DNA depletion syndrome, encephalomyopathic form with methylmalonic aciduria. Last evaluated: 2022-05-06. Review status: criteria provided, single submitter. Criteria: Invitae Variant Classification Sherloc (09022015). Collection method: clinical testing. Allele origin: germline.
Comment: This sequence change replaces proline, which is neutral and non-polar, with arginine, which is basic and polar, at codon 207 of the SUCLA2 protein (p.Pro207Arg). In summary, the available evidence is currently insufficient to determine the role of this variant in disease. Therefore, it has been classified as a Variant of Uncertain Significance. Algorithms developed to predict the effect of missense changes on protein structure and function are either unavailable or do not agree on the potential impact of this missense change (SIFT: "Deleterious"; PolyPhen-2: "Possibly Damaging"; Align-GVGD: "Class C15"). This variant has not been reported in the literature in individuals affected with SUCLA2-related conditions. This variant is present in population databases (rs758906219, gnomAD 0.003%).

NM_003850.3(SUCLA2):c.620C>G (p.Pro207Arg)

Gene: SUCLA2 (succinate-CoA ligase ADP-forming subunit beta; minus strand). Cytogenetic location: 13q14.2.
Variant type: single nucleotide variant.
Coding change: c.620C>G on transcript NM_003850.3 (MANE Select); coding-DNA position 620, C replaced by G.
Protein change: p.Pro207Arg; replaces proline 207 with arginine.
Molecular consequence: missense variant.
Genome position (GRCh38, 1-based): chr13:47,973,307, G>C on the plus strand (C>G on the coding strand, the complement: SUCLA2 is on the minus strand). VCF-style: chr13-47973307-G-C. GRCh37 (hg19) VCF-style: chr13-48547442-G-C.
Other names: short protein forms P207R.
Identifiers: ClinVar variation 2196389 (VCV002196389.4), dbSNP rs758906219, ClinGen allele CA6977960.